The following is an entry in ClinVar:

ClinVar aggregate classification (germline): Uncertain significance. Review status: criteria provided, multiple submitters, no conflicts (2 of 4 stars). 2 submissions from 2 submitters: Uncertain significance (2). Last evaluated 2025-06-08.

Conditions:
Developmental and epileptic encephalopathy, 54. Also called: HNRNPU-Related Neurodevelopmental Disorder; Epileptic encephalopathy, early infantile, 54. Identifiers: MedGen C4479319, MONDO:0033363, OMIM 617391.
Inborn genetic diseases. Identifiers: MedGen C0950123, MeSH D030342.

Allele frequency attached by ClinVar (database versions not stated): gnomAD exomes below 0.00001; gnomAD 0.00001; TOPMed 0.00001.
gnomAD v4.1: 5 of 1,593,776 alleles (0.00031%); highest among the groups gnomAD compares: Non-Finnish European, 0.00043%; no homozygotes.

Submissions (2):

Ambry Genetics
Classification: Uncertain significance for Inborn genetic diseases. Last evaluated: 2025-06-08. Review status: criteria provided, single submitter. Criteria: Ambry Variant Classification Scheme 2023. Collection method: clinical testing. Allele origin: germline.

Labcorp Genetics (formerly Invitae), Labcorp
Classification: Uncertain significance for Developmental and epileptic encephalopathy, 54. Last evaluated: 2022-09-19. Review status: criteria provided, single submitter. Criteria: Invitae Variant Classification Sherloc (09022015). Collection method: clinical testing. Allele origin: germline.
Comment: This variant is present in population databases (no rsID available, gnomAD 0.0009%). This variant has not been reported in the literature in individuals affected with HNRNPU-related conditions. ClinVar contains an entry for this variant (Variation ID: 1359761). Advanced modeling of protein sequence and biophysical properties (such as structural, functional, and spatial information, amino acid conservation, physicochemical variation, residue mobility, and thermodynamic stability) performed at Invitae indicates that this missense variant is not expected to disrupt HNRNPU protein function. In summary, the available evidence is currently insufficient to determine the role of this variant in disease. Therefore, it has been classified as a Variant of Uncertain Significance. This sequence change replaces asparagine, which is neutral and polar, with aspartic acid, which is acidic and polar, at codon 390 of the HNRNPU protein (p.Asn390Asp).

NM_031844.3(HNRNPU):c.1168A>G (p.Asn390Asp)

Gene: HNRNPU (heterogeneous nuclear ribonucleoprotein U; minus strand). Cytogenetic location: 1q44.
Variant type: single nucleotide variant.
Coding change: c.1168A>G on transcript NM_031844.3 (MANE Select); coding-DNA position 1168, A replaced by G.
Protein change: p.Asn390Asp; replaces asparagine 390 with aspartic acid.
Molecular consequence: missense variant.
Genome position (GRCh38, 1-based): chr1:244,858,791, T>C on the plus strand (A>G on the coding strand, the complement: HNRNPU is on the minus strand). VCF-style: chr1-244858791-T-C. GRCh37 (hg19) VCF-style: chr1-245022093-T-C.
Other names: c.1168A>G (NM_031844.2); c.1111A>G, p.Asn371Asp (NM_004501.3); short protein forms N371D, N390D.
Identifiers: ClinVar variation 1359761 (VCV001359761.9), dbSNP rs1363920060, ClinGen allele CA345492247.